The following is an entry in ClinVar:

NM_001365951.3(KIF1B):c.2776G>A (p.Glu926Lys)

Genes: KIF1B (kinesin family member 1B; plus strand), LOC126805614 (BRD4-independent group 4 enhancer GRCh37_chr1:10385546-10386745; plus strand). Cytogenetic location: 1p36.22.
Variant type: single nucleotide variant.
Coding change: c.2776G>A on transcript NM_001365951.3 (MANE Select); coding-DNA position 2776, G replaced by A.
Protein change: p.Glu926Lys; replaces glutamic acid 926 with lysine.
Molecular consequence: missense variant.
Genome position (GRCh38, 1-based): chr1:10,326,211, G>A. VCF-style: chr1-10326211-G-A. GRCh37 (hg19) VCF-style: chr1-10386269-G-A.
Other names: c.2776G>A, p.Glu926Lys (NM_001365952.1); c.2638G>A, p.Glu880Lys (NM_015074.3); short protein forms E926K, E880K.
Identifiers: ClinVar variation 1794147 (VCV001794147.10), dbSNP rs766687578, ClinGen allele CA581611.

ClinVar aggregate classification (germline): Uncertain significance. Review status: criteria provided, multiple submitters, no conflicts (2 of 4 stars). 2 submissions from 2 submitters: Uncertain significance (2). Last evaluated 2024-09-24.

Conditions:
Charcot-Marie-Tooth disease type 2. Also called: Charcot-Marie-Tooth type 2. Identifiers: Orphanet 64746, MedGen C0270914, MONDO:0018993.

Allele frequency attached by ClinVar (database versions not stated): gnomAD exomes below 0.00001; ExAC 0.00001.
gnomAD v4.1: 2 of 1,614,162 alleles (0.00012%); highest among the groups gnomAD compares: Non-Finnish European, 0.00017%; no homozygotes.

Submissions (2):

Ambry Genetics
Classification: Uncertain significance. Last evaluated: 2024-09-24. Review status: criteria provided, single submitter. Criteria: Ambry Variant Classification Scheme 2023. Collection method: clinical testing. Allele origin: germline.
Comment: The p.E880K variant (also known as c.2638G>A), located in coding exon 24 of the KIF1B gene, results from a G to A substitution at nucleotide position 2638. The glutamic acid at codon 880 is replaced by lysine, an amino acid with similar properties. This amino acid position is conserved. In addition, this alteration is predicted to be deleterious by in silico analysis. Since supporting evidence is limited at this time, the clinical significance of this alteration remains unclear.

Labcorp Genetics (formerly Invitae), Labcorp
Classification: Uncertain significance for Charcot-Marie-Tooth disease type 2. Last evaluated: 2023-09-09. Review status: criteria provided, single submitter. Criteria: Invitae Variant Classification Sherloc (09022015). Collection method: clinical testing. Allele origin: germline.
Comment: In summary, the available evidence is currently insufficient to determine the role of this variant in disease. Therefore, it has been classified as a Variant of Uncertain Significance. An algorithm developed to predict the effect of missense changes on protein structure and function (PolyPhen-2) suggests that this variant is likely to be disruptive. ClinVar contains an entry for this variant (Variation ID: 1794147). This variant has not been reported in the literature in individuals affected with KIF1B-related conditions. This variant is present in population databases (rs766687578, gnomAD 0.0009%). This sequence change replaces glutamic acid, which is acidic and polar, with lysine, which is basic and polar, at codon 880 of the KIF1B protein (p.Glu880Lys).